The following is an entry in ClinVar:

ClinVar aggregate classification (germline): Pathogenic (1 of 4 stars; one submission).

Conditions:
Seizure. Also called: Seizures. Identifiers: MedGen C0036572, HP:0001250.

Submission:

Cytogénomique, Hospices Civils de Lyon
Classification: Pathogenic for Seizure. Last evaluated: 2020-05-27. Review status: criteria provided, single submitter. Criteria: ACMG Guidelines, 2015. Collection method: clinical testing. Allele origin: de novo. Inheritance: Sporadic. Affected: yes. Observed: 1 variant allele, 1 heterozygote.
Comment: de novo truncating variant absent from gnomAD

NM_001165963.4(SCN1A):c.3526G>T (p.Glu1176Ter)

Genes: SCN1A (sodium voltage-gated channel alpha subunit 1; minus strand), LOC102724058 (uncharacterized LOC102724058; plus strand). Cytogenetic location: 2q24.3.
Variant type: single nucleotide variant.
Coding change: c.3526G>T on transcript NM_001165963.4 (MANE Select); coding-DNA position 3526, G replaced by T.
Protein change: p.Glu1176Ter; replaces glutamic acid 1176 with a stop codon.
Molecular consequence: nonsense. On other transcripts: non-coding transcript variant (2).
Genome position (GRCh38, 1-based): chr2:166,015,631, C>A on the plus strand (G>T on the coding strand, the complement: SCN1A is on the minus strand). VCF-style: chr2-166015631-C-A. GRCh37 (hg19) VCF-style: chr2-166872141-C-A.
Other names: c.3442G>T, p.Glu1148Ter (NM_001165964.3, NM_001353957.2, NM_001353958.2); c.3526G>T, p.Glu1176Ter (NM_001202435.3, NM_001353948.2); c.3493G>T, p.Glu1165Ter (NM_001353949.2, NM_001353950.2, NM_001353951.2 and 2 more transcripts); c.3490G>T, p.Glu1164Ter (NM_001353954.2, NM_001353955.2); c.3439G>T, p.Glu1147Ter (NM_001353960.2); c.1084G>T, p.Glu362Ter (NM_001353961.2); short protein forms E1176*, E362*, E1147*, E1148*, E1164*, E1165*.
Identifiers: ClinVar variation 917889 (VCV000917889.2), dbSNP rs1553534041, ClinGen allele CA349056636.